The following is an entry in ClinVar:

NM_182931.3(KMT2E):c.364A>G (p.Ile122Val)

Gene: KMT2E (lysine methyltransferase 2E (inactive); plus strand). Cytogenetic location: 7q22.3.
Variant type: single nucleotide variant.
Coding change: c.364A>G on transcript NM_182931.3 (MANE Select); coding-DNA position 364, A replaced by G.
Protein change: p.Ile122Val; replaces isoleucine 122 with valine.
Molecular consequence: missense variant.
Genome position (GRCh38, 1-based): chr7:105,063,528, A>G. VCF-style: chr7-105063528-A-G. GRCh37 (hg19) VCF-style: chr7-104703975-A-G.
Other names: c.364A>G, p.Ile122Val (NM_001410908.1, NM_018682.4); short protein forms I122V.
Identifiers: ClinVar variation 2703001 (VCV002703001.3), dbSNP rs2536385595, ClinGen allele CA368774726.
Genomic context (GRCh38, chr7:105,063,528, plus strand): 5'-AGTGCTACTACAATCAGCACATCTGAGGATGGAAGTTATGGTACTGATGTAACCAGGTGC[A>G]TATGTGGTTTTACACATGATGATGGATACATGATCTGTTGTGACAAATGCAGGTAAAATA-3'
Protein context (NP_891847.1, residues 112-132): GSYGTDVTRC[Ile122Val]CGFTHDDGYM

ClinVar aggregate classification (germline): Pathogenic (1 of 4 stars; one submission).

Submission:

Labcorp Genetics (formerly Invitae), Labcorp
Classification: Pathogenic. Last evaluated: 2025-02-17. Review status: criteria provided, single submitter. Criteria: Invitae Variant Classification Sherloc (09022015). Collection method: clinical testing. Allele origin: germline.
Comment: This sequence change replaces isoleucine, which is neutral and non-polar, with valine, which is neutral and non-polar, at codon 122 of the KMT2E protein (p.Ile122Val). This variant is not present in population databases (gnomAD no frequency). This missense change has been observed in individual(s) with clinical features of KMT2E-related neurodevelopmental disorder (internal data). In at least one individual the variant was observed to be de novo. ClinVar contains an entry for this variant (Variation ID: 2703001). Invitae Evidence Modeling of protein sequence and biophysical properties (such as structural, functional, and spatial information, amino acid conservation, physicochemical variation, residue mobility, and thermodynamic stability) indicates that this missense variant is not expected to disrupt KMT2E protein function with a negative predictive value of 80%. Algorithms developed to predict the effect of sequence changes on RNA splicing suggest that this variant may disrupt the consensus splice site. For these reasons, this variant has been classified as Pathogenic.